The following is an entry in ClinVar:

NM_000152.5(GAA):c.-32-5C>T

Gene: GAA (alpha glucosidase; plus strand). Cytogenetic location: 17q25.3.
Variant type: single nucleotide variant.
Coding change: c.-32-5C>T on transcript NM_000152.5 (MANE Select); 5 bases into the intron before 32 bases upstream of the start codon, C replaced by T.
Molecular consequence: intron variant.
Genome position (GRCh38, 1-based): chr17:80,104,550, C>T. VCF-style: chr17-80104550-C-T. GRCh37 (hg19) VCF-style: chr17-78078349-C-T.
Other names: c.-32-5C>T (LRG_673t1, NM_001079803.3, NM_001079804.3).
Identifiers: ClinVar variation 507529 (VCV000507529.5), dbSNP rs775682001, ClinGen allele CA8814744.
Genomic context (GRCh38, chr17:80,104,550, plus strand): 5'-CTTTGAGAGCCCCGTGAGTGCCGCCCCTCCCGCCTCCCTGCTGAGCCCGCTTTCTTCTCC[C>T]GCAGGCCTGTAGGAGCTGTCCAGGCCATCTCCAACCATGGGAGTGAGGCACCCGCCCTGC-3'

ClinVar aggregate classification (germline): Uncertain significance. Review status: reviewed by expert panel (3 of 4 stars). 2 submissions from 2 submitters: Uncertain significance (1). 1 of the submissions does not count toward it. Last evaluated 2024-09-03.

Conditions:
Glycogen storage disease, type II (IOPD). Also called: GLYCOGENOSIS, GENERALIZED, CARDIAC FORM; GSD II; Glycogen storage disease type 2; Acid maltase deficiency disease; Aglucosidase alfa; Deficiency of alpha-glucosidase. Identifiers: Orphanet 365, MedGen C0017921, MONDO:0009290, OMIM 232300.

Allele frequency attached by ClinVar (database versions not stated): ExAC 0.00002; gnomAD exomes 0.00002; TOPMed 0.00002; gnomAD 0.00003.
gnomAD v4.1: 26 of 1,578,542 alleles (0.0016%); highest among the groups gnomAD compares: Middle Eastern, 0.019%; no homozygotes.

Submissions (2):

ClinGen Lysosomal Storage Disorder Variant Curation Expert Panel
Classification: Uncertain significance for Glycogen storage disease, type II. Last evaluated: 2024-09-03. Review status: reviewed by expert panel. Criteria: clingen_lsd_acmg_specifications_v2-1. Collection method: curation. Allele origin: germline. Inheritance: Autosomal recessive inheritance.
Comment: The NM_000152.5(GAA):c.-32-5C>T variant in GAA is an intronic variant which is located in intron 1. The computational splicing predictor SpliceAI gives a score of 0.0 for acceptor site loss suggesting that the variant has no impact on splicing (BP4). The highest population minor allele frequency in gnomAD v4.1.0 is 0.0001851 (1/5402 alleles) in the Middle Eastern population, which is lower than the ClinGen Lysosomal Diseases VCEP’s threshold for PM2_Supporting (<0.001), meeting this criterion (PM2_Supporting). There is a ClinVar entry for this variant (Variation ID: 507529). In summary, this variant meets the criteria to be classified as uncertain significance for Pompe disease. GAA-specific ACMG/AMP criteria applied, as specified by the ClinGen Lysosomal Diseases Variant Curation Expert Panel (Specifications Version 2.0): PM2_Supporting, BP4. (Classification approved by the ClinGen Lysosomal Diseases Variant Curation Expert Panel on September 3, 2024).

GeneDx
Classification: Likely benign. Last evaluated: 2018-06-07. Review status: criteria provided, single submitter. Criteria: GeneDx Variant Classification Process June 2021. Collection method: clinical testing. Allele origin: germline. Affected: yes. Not counted in ClinVar's aggregate classification.